The following is an entry in ClinVar:

ClinVar aggregate classification (germline): Uncertain significance (1 of 4 stars; one submission).

gnomAD v4.1: 3 of 1,610,980 alleles (0.00019%); highest among the groups gnomAD compares: Non-Finnish European, 0.00025%; no homozygotes.

Submission:

GeneDx
Classification: Uncertain significance. Last evaluated: 2026-03-25. Review status: criteria provided, single submitter. Criteria: GeneDx Variant Classification Process June 2021. Collection method: clinical testing. Allele origin: germline.
Comment: Not observed at significant frequency in large population cohorts (gnomAD); In silico analysis suggests that this missense variant does not alter protein structure/function; Has not been previously published as pathogenic or benign to our knowledge

NM_001458.5(FLNC):c.3160G>C (p.Val1054Leu)

Gene: FLNC (filamin C; plus strand). Cytogenetic location: 7q32.1.
Variant type: single nucleotide variant.
Coding change: c.3160G>C on transcript NM_001458.5 (MANE Select); coding-DNA position 3160, G replaced by C.
Protein change: p.Val1054Leu; replaces valine 1054 with leucine.
Molecular consequence: missense variant.
Genome position (GRCh38, 1-based): chr7:128,844,234, G>C. VCF-style: chr7-128844234-G-C. GRCh37 (hg19) VCF-style: chr7-128484288-G-C.
Other names: c.3160G>C, p.Val1054Leu (NM_001127487.2); short protein forms V1054L.
Identifiers: ClinVar variation 5016688 (VCV005016688.1).